The following is an entry in ClinVar:

NM_001454.4(FOXJ1):c.194T>C (p.Val65Ala)

Genes: FOXJ1 (forkhead box J1; minus strand), LOC130061707 (ATAC-STARR-seq lymphoblastoid silent region 9003; plus strand). Cytogenetic location: 17q25.1.
Variant type: single nucleotide variant.
Coding change: c.194T>C on transcript NM_001454.4 (MANE Select); coding-DNA position 194, T replaced by C.
Protein change: p.Val65Ala; replaces valine 65 with alanine.
Molecular consequence: missense variant.
Genome position (GRCh38, 1-based): chr17:76,140,202, A>G on the plus strand (T>C on the coding strand, the complement: FOXJ1 is on the minus strand). VCF-style: chr17-76140202-A-G. GRCh37 (hg19) VCF-style: chr17-74136283-A-G.
Other names: short protein forms V65A.
Identifiers: ClinVar variation 3357631 (VCV003357631.2).

ClinVar aggregate classification (germline): Uncertain significance. Review status: criteria provided, single submitter (1 of 4 stars). 2 submissions from 2 submitters: Uncertain significance (1). 1 of the submissions does not count toward it. Last evaluated 2025-04-10.

Conditions:
FOXJ1-related disorder. Also called: FOXJ1-related condition.
Inborn genetic diseases. Identifiers: MedGen C0950123, MeSH D030342.

Submissions (2):

Ambry Genetics
Classification: Uncertain significance for Inborn genetic diseases. Last evaluated: 2025-04-10. Review status: criteria provided, single submitter. Criteria: Ambry Variant Classification Scheme 2023. Collection method: clinical testing. Allele origin: germline.

PreventionGenetics, part of Exact Sciences
Classification: Uncertain significance for FOXJ1-related condition. Last evaluated: 2024-05-31. Review status: no assertion criteria provided. Collection method: clinical testing. Allele origin: germline. Not counted in ClinVar's aggregate classification.
Comment: The FOXJ1 c.194T>C variant is predicted to result in the amino acid substitution p.Val65Ala. To our knowledge, this variant has not been reported in the literature. This variant is reported in 0.0072% of alleles in individuals of European (Non-Finnish) descent in gnomAD. At this time, the clinical significance of this variant is uncertain due to the absence of conclusive functional and genetic evidence.